The following is an entry in ClinVar:

NM_001378030.1(CCDC78):c.1067G>A (p.Gly356Glu)

Gene: CCDC78 (coiled-coil domain containing 78; minus strand). Cytogenetic location: 16p13.3.
Variant type: single nucleotide variant.
Coding change: c.1067G>A on transcript NM_001378030.1 (MANE Select); coding-DNA position 1067, G replaced by A.
Protein change: p.Gly356Glu; replaces glycine 356 with glutamic acid.
Molecular consequence: missense variant. On other transcripts: non-coding transcript variant (5), intron variant (1).
Genome position (GRCh38, 1-based): chr16:723,923, C>T on the plus strand (G>A on the coding strand, the complement: CCDC78 is on the minus strand). VCF-style: chr16-723923-C-T. GRCh37 (hg19) VCF-style: chr16-773923-C-T.
Other names: c.500G>A, p.Gly167Glu (NM_001378033.1); c.953+399G>A (NM_001378031.1); c.1067G>A, p.Gly356Glu (NM_001031737.3); short protein forms G356E, G167E.
Identifiers: ClinVar variation 576274 (VCV000576274.8), dbSNP rs1567315670, ClinGen allele CA394098494.
Genomic context (GRCh38, chr16:723,923, plus strand): 5'-TCTGATGTTCCCCCCTGGGAGGCTCCACCGGGTCTCTTTTTTGGGGATGAGAGCAGTGCC[C>T]CAGGCCCGCCGTGCTACAGAGGTTTGTGGTGGGGACGTTTCAGTTGGCTGAACAAGGCAA-3'
Protein context (NP_001364959.1, residues 346-366): SHREDQHGGP[Gly356Glu]ALLSSPKKRP

ClinVar aggregate classification (germline): Uncertain significance (1 of 4 stars; one submission).

Conditions:
Congenital myopathy with internal nuclei and atypical cores. Also called: Myopathy, centronuclear, 4. Identifiers: Orphanet 319160, MedGen C4707232, MONDO:0013890, OMIM 614807.

Submission:

Labcorp Genetics (formerly Invitae), Labcorp
Classification: Uncertain significance for Congenital myopathy with internal nuclei and atypical cores. Last evaluated: 2018-04-09. Review status: criteria provided, single submitter. Criteria: Invitae Variant Classification Sherloc (09022015). Collection method: clinical testing. Allele origin: germline.
Comment: This sequence change replaces glycine with glutamic acid at codon 356 of the CCDC78 protein (p.Gly356Glu). The glycine residue is weakly conserved and there is a moderate physicochemical difference between glycine and glutamic acid. This variant is not present in population databases (ExAC no frequency). This variant has not been reported in the literature in individuals with CCDC78-related disease. Algorithms developed to predict the effect of missense changes on protein structure and function output the following: SIFT: "Tolerated"; PolyPhen-2: "Benign"; Align-GVGD: "Class C0". The glutamic acid amino acid residue is found in multiple mammalian species, suggesting that this missense change does not adversely affect protein function. These predictions have not been confirmed by published functional studies and their clinical significance is uncertain. In summary, the available evidence is currently insufficient to determine the role of this variant in disease. Therefore, it has been classified as a Variant of Uncertain Significance.